The following is an entry in ClinVar:

ClinVar aggregate classification (germline): Uncertain significance (1 of 4 stars; one submission).

Conditions:
Spastic paraplegia. Identifiers: MedGen C0037772, HP:0001258.

Submission:

Labcorp Genetics (formerly Invitae), Labcorp
Classification: Uncertain significance for Spastic paraplegia. Last evaluated: 2024-10-16. Review status: criteria provided, single submitter. Criteria: Invitae Variant Classification Sherloc (09022015). Collection method: clinical testing. Allele origin: germline.
Comment: This sequence change replaces leucine, which is neutral and non-polar, with phenylalanine, which is neutral and non-polar, at codon 35 of the CYP7B1 protein (p.Leu35Phe). This variant is not present in population databases (gnomAD no frequency). This variant has not been reported in the literature in individuals affected with CYP7B1-related conditions. ClinVar contains an entry for this variant (Variation ID: 1501176). Invitae Evidence Modeling of protein sequence and biophysical properties (such as structural, functional, and spatial information, amino acid conservation, physicochemical variation, residue mobility, and thermodynamic stability) has been performed for this missense variant. However, the output from this modeling did not meet the statistical confidence thresholds required to predict the impact of this variant on CYP7B1 protein function. In summary, the available evidence is currently insufficient to determine the role of this variant in disease. Therefore, it has been classified as a Variant of Uncertain Significance.

NM_004820.5(CYP7B1):c.105G>T (p.Leu35Phe)

Gene: CYP7B1 (cytochrome P450 family 7 subfamily B member 1; minus strand). Cytogenetic location: 8q12.3.
Variant type: single nucleotide variant.
Coding change: c.105G>T on transcript NM_004820.5 (MANE Select); coding-DNA position 105, G replaced by T.
Protein change: p.Leu35Phe; replaces leucine 35 with phenylalanine.
Molecular consequence: missense variant.
Genome position (GRCh38, 1-based): chr8:64,798,483, C>A on the plus strand (G>T on the coding strand, the complement: CYP7B1 is on the minus strand). VCF-style: chr8-64798483-C-A. GRCh37 (hg19) VCF-style: chr8-65711040-C-A.
Other names: c.105G>T, p.Leu35Phe (NM_001324112.2); short protein forms L35F.
Identifiers: ClinVar variation 1501176 (VCV001501176.7), dbSNP rs1563432681, ClinGen allele CA371408159.